The following is an entry in ClinVar:

ClinVar aggregate classification (germline): Uncertain significance (0 of 4 stars; one submission).

Conditions:
POLG-related disorder. Also called: POLG-Related Spectrum Disorders; POLG-related condition; POLG-Related Disorders. Identifiers: MedGen C4763519.

Submission:

PreventionGenetics, part of Exact Sciences
Classification: Uncertain significance for POLG-related condition. Last evaluated: 2024-04-06. Review status: no assertion criteria provided. Collection method: clinical testing. Allele origin: germline.
Comment: The POLG c.38C>A variant is predicted to result in the amino acid substitution p.Thr13Asn. To our knowledge, this variant has not been reported in the literature or in a large population database, indicating this variant is rare. At this time, the clinical significance of this variant is uncertain due to the absence of conclusive functional and genetic evidence.

NM_002693.3(POLG):c.38C>A (p.Thr13Asn)

Genes: POLG (DNA polymerase gamma, catalytic subunit; minus strand), POLGARF (POLG alternative reading frame; minus strand). Cytogenetic location: 15q26.1.
Variant type: single nucleotide variant.
Coding change: c.38C>A on transcript NM_002693.3 (MANE Select); coding-DNA position 38, C replaced by A.
Protein change: p.Thr13Asn; replaces threonine 13 with asparagine.
Molecular consequence: missense variant.
Genome position (GRCh38, 1-based): chr15:89,333,717, G>T on the plus strand (C>A on the coding strand, the complement: POLG is on the minus strand). VCF-style: chr15-89333717-G-T. GRCh37 (hg19) VCF-style: chr15-89876948-G-T.
Other names: c.93C>A, p.His31Gln (NM_001430120.1); c.38C>A, p.Thr13Asn (NM_001126131.2); short protein forms H31Q, T13N.
Identifiers: ClinVar variation 3344070 (VCV003344070.1).